The following is an entry in ClinVar:

NM_000355.4(TCN2):c.772A>G (p.Met258Val)

Gene: TCN2 (transcobalamin 2; plus strand). Cytogenetic location: 22q12.2.
Variant type: single nucleotide variant.
Coding change: c.772A>G on transcript NM_000355.4 (MANE Select); coding-DNA position 772, A replaced by G.
Protein change: p.Met258Val; replaces methionine 258 with valine.
Molecular consequence: missense variant.
Genome position (GRCh38, 1-based): chr22:30,615,619, A>G. VCF-style: chr22-30615619-A-G. GRCh37 (hg19) VCF-style: chr22-31011606-A-G.
Other names: c.691A>G, p.Met231Val (NM_001184726.2); short protein forms M231V, M258V.
Identifiers: ClinVar variation 1502650 (VCV001502650.3), dbSNP rs781666065, ClinGen allele CA10184843.

ClinVar aggregate classification (germline): Uncertain significance (1 of 4 stars; one submission).

Conditions:
Transcobalamin II deficiency (TCN2D). Also called: TC II DEFICIENCY; TCN2 DEFICIENCY; Transcolabamin II deficiency. Identifiers: Orphanet 859, MedGen C0342701, MONDO:0010149, OMIM 275350.

Allele frequency attached by ClinVar (database versions not stated): gnomAD exomes below 0.00001 and 0.00002; ExAC 0.00001.
gnomAD v4.1: 23 of 1,614,006 alleles (0.0014%); highest among the groups gnomAD compares: African/African-American, 0.004%; no homozygotes.

Submission:

Labcorp Genetics (formerly Invitae), Labcorp
Classification: Uncertain significance for Transcobalamin II deficiency. Last evaluated: 2021-07-29. Review status: criteria provided, single submitter. Criteria: Invitae Variant Classification Sherloc (09022015). Collection method: clinical testing. Allele origin: germline.
Comment: This sequence change replaces methionine with valine at codon 258 of the TCN2 protein (p.Met258Val). The methionine residue is weakly conserved and there is a small physicochemical difference between methionine and valine. The frequency data for this variant in the population databases is considered unreliable, as metrics indicate poor data quality at this position in the ExAC database. This variant has not been reported in the literature in individuals affected with TCN2-related conditions. Algorithms developed to predict the effect of missense changes on protein structure and function output the following: SIFT: "Tolerated"; PolyPhen-2: "Benign"; Align-GVGD: "Class C0". The valine amino acid residue is found in multiple mammalian species, which suggests that this missense change does not adversely affect protein function. Algorithms developed to predict the effect of sequence changes on RNA splicing suggest that this variant may create or strengthen a splice site. In summary, the available evidence is currently insufficient to determine the role of this variant in disease. Therefore, it has been classified as a Variant of Uncertain Significance.